The following is an entry in ClinVar:

NM_005359.6(SMAD4):c.796A>G (p.Thr266Ala)

Gene: SMAD4 (SMAD family member 4; plus strand). Cytogenetic location: 18q21.2.
Variant type: single nucleotide variant.
Coding change: c.796A>G on transcript NM_005359.6 (MANE Select); coding-DNA position 796, A replaced by G.
Protein change: p.Thr266Ala; replaces threonine 266 with alanine.
Molecular consequence: missense variant.
Genome position (GRCh38, 1-based): chr18:51,058,348, A>G. VCF-style: chr18-51058348-A-G. GRCh37 (hg19) VCF-style: chr18-48584718-A-G.
Other names: short protein forms T266A.
Identifiers: ClinVar variation 842310 (VCV000842310.17), dbSNP rs1909898933, ClinGen allele CA402463281.
Genomic context (GRCh38, chr18:51,058,348, plus strand): 5'-AGTAGGCAGCCTTTATAAAAGCAAATTAACCCATGTGGGCCTTAATTTTTAGACAGCACT[A>G]CCACCTGGACTGGAAGTAGGACTGCACCATACACACCTAATTTGCCTCACCACCAAAACG-3'
Protein context (NP_005350.1, residues 256-276): QPATYHHNST[Thr266Ala]TWTGSRTAPY

ClinVar aggregate classification (germline): Uncertain significance. Review status: criteria provided, multiple submitters, no conflicts (2 of 4 stars). 3 submissions from 3 submitters: Uncertain significance (3). Last evaluated 2025-03-20.

Conditions:
Hereditary cancer-predisposing syndrome. Also called: Neoplastic Syndromes, Hereditary; Hereditary neoplastic syndrome; Tumor predisposition; Hereditary Cancer Syndrome. Identifiers: Orphanet 140162, MedGen C0027672, MeSH D009386, MONDO:0015356.
Familial thoracic aortic aneurysm and aortic dissection (TAAD). Also called: Thoracic aortic aneurysms and dissections. Identifiers: Orphanet 91387, MedGen C4707243, MONDO:0019625.
Juvenile polyposis syndrome (JPS). Identifiers: Orphanet 2929, MedGen C0345893, MONDO:0017380, OMIM 174900.

Allele frequency attached by ClinVar (database versions not stated): gnomAD exomes below 0.00001.
gnomAD v4.1: 1 of 1,614,004 alleles (0.000062%); no homozygotes.

Submissions (3):

Ambry Genetics
Classification: Uncertain significance for Hereditary cancer-predisposing syndrome; Familial thoracic aortic aneurysm and aortic dissection. Last evaluated: 2025-03-20. Review status: criteria provided, single submitter. Criteria: Ambry Variant Classification Scheme 2023. Collection method: clinical testing. Allele origin: germline.
Comment: The p.T266A variant (also known as c.796A>G), located in coding exon 6 of the SMAD4 gene, results from an A to G substitution at nucleotide position 796. The threonine at codon 266 is replaced by alanine, an amino acid with similar properties. This amino acid position is well conserved in available vertebrate species. In addition, this alteration is predicted to be tolerated by in silico analysis. Since supporting evidence is limited at this time, the clinical significance of this alteration remains unclear.

Labcorp Genetics (formerly Invitae), Labcorp
Classification: Uncertain significance for Juvenile polyposis syndrome. Last evaluated: 2023-12-26. Review status: criteria provided, single submitter. Criteria: Invitae Variant Classification Sherloc (09022015). Collection method: clinical testing. Allele origin: germline.
Comment: This sequence change replaces threonine, which is neutral and polar, with alanine, which is neutral and non-polar, at codon 266 of the SMAD4 protein (p.Thr266Ala). This variant is not present in population databases (gnomAD no frequency). This variant has not been reported in the literature in individuals affected with SMAD4-related conditions. ClinVar contains an entry for this variant (Variation ID: 842310). Advanced modeling of protein sequence and biophysical properties (such as structural, functional, and spatial information, amino acid conservation, physicochemical variation, residue mobility, and thermodynamic stability) performed at Invitae indicates that this missense variant is not expected to disrupt SMAD4 protein function with a negative predictive value of 95%. In summary, the available evidence is currently insufficient to determine the role of this variant in disease. Therefore, it has been classified as a Variant of Uncertain Significance.

Color Diagnostics, LLC DBA Color Health
Classification: Uncertain significance for Hereditary cancer-predisposing syndrome. Last evaluated: 2023-12-05. Review status: criteria provided, single submitter. Criteria: ACMG Guidelines, 2015. Collection method: clinical testing. Allele origin: germline.
Comment: This missense variant replaces threonine with alanine at codon 266 of the SMAD4 protein. Computational prediction suggests that this variant may not impact protein structure and function (internally defined REVEL score threshold <= 0.5, PMID: 27666373). To our knowledge, functional studies have not been reported for this variant. This variant has not been reported in individuals affected with SMAD4-related disorders in the literature. This variant has not been identified in the general population by the Genome Aggregation Database (gnomAD). The available evidence is insufficient to determine the role of this variant in disease conclusively. Therefore, this variant is classified as a Variant of Uncertain Significance.